The following is an entry in ClinVar:

NM_182493.3(MYLK3):c.962A>G (p.Gln321Arg)

Gene: MYLK3 (myosin light chain kinase 3; minus strand). Cytogenetic location: 16q11.2.
Variant type: single nucleotide variant.
Coding change: c.962A>G on transcript NM_182493.3 (MANE Select); coding-DNA position 962, A replaced by G.
Protein change: p.Gln321Arg; replaces glutamine 321 with arginine.
Molecular consequence: missense variant. On other transcripts: intron variant (1).
Genome position (GRCh38, 1-based): chr16:46,737,750, T>C on the plus strand (A>G on the coding strand, the complement: MYLK3 is on the minus strand). VCF-style: chr16-46737750-T-C. GRCh37 (hg19) VCF-style: chr16-46771662-T-C.
Other names: c.-23+2307A>G (NM_001308301.1); short protein forms Q321R.
Identifiers: ClinVar variation 4726009 (VCV004726009.1).

ClinVar aggregate classification (germline): Uncertain significance (1 of 4 stars; one submission).

gnomAD v4.1: 2 of 1,609,894 alleles (0.00012%); highest among the groups gnomAD compares: Non-Finnish European, 0.00017%; no homozygotes.

Submission:

Labcorp Genetics (formerly Invitae), Labcorp
Classification: Uncertain significance. Last evaluated: 2025-08-25. Review status: criteria provided, single submitter. Criteria: Invitae Variant Classification Sherloc (09022015). Collection method: clinical testing. Allele origin: germline.
Comment: This sequence change replaces glutamine, which is neutral and polar, with arginine, which is basic and polar, at codon 321 of the MYLK3 protein (p.Gln321Arg). This variant is not present in population databases (gnomAD no frequency). This variant has not been reported in the literature in individuals affected with MYLK3-related conditions. An algorithm developed to predict the effect of missense changes on protein structure and function (PolyPhen-2) suggests that this variant is likely to be tolerated. In summary, the available evidence is currently insufficient to determine the role of this variant in disease. Therefore, it has been classified as a Variant of Uncertain Significance.